The following is an entry in ClinVar:

ClinVar aggregate classification (germline): Pathogenic (1 of 4 stars; one submission).

Conditions:
Kabuki syndrome 1 (KABUK1). Also called: KMT2D-Related Kabuki Syndrome. Identifiers: Orphanet 2322, MedGen CN030661, MONDO:0007843, OMIM 147920.

Submission:

Tumer Group, Copenhagen University Hospital, Rigshospitalet
Classification: Pathogenic for Kabuki syndrome 1. Last evaluated: 2025-11-03. Review status: criteria provided, single submitter. Criteria: ACMG Guidelines, 2015. Collection method: clinical testing. Allele origin: de novo. Inheritance: Autosomal dominant inheritance. Affected: yes. Observed: 1 heterozygote.
Comment: The NM_003482.4:c.4358_4365del, p.(His1453Leufs*35) is an 8 bp deletion in KMT2D predicted to result in a frameshift and premature stop codon, leading to a truncated or absent protein product (PVS1). DNA methylation signature testing for Kabuki syndrome was positive and highly specific (PP4). This variant has not been reported in the gnomAD population database (PM2_Sup;, version 4.1.0). In summary, this variant meets the criteria to be classified as pathogenic for Kabuki syndrome based on the ACMG/AMP criteria applied: PVS1, PM2_Sup, PP4.

NM_003482.4(KMT2D):c.4358_4365del (p.His1453fs)

Gene: KMT2D (lysine methyltransferase 2D; minus strand). Cytogenetic location: 12q13.12.
Variant type: Deletion.
Coding change: c.4358_4365del on transcript NM_003482.4 (MANE Select); coding-DNA positions 4358 to 4365, 8 bases deleted (ACACATAC; older notation c.4358_4365delACACATAC).
Protein change: p.His1453fs; shifts the reading frame from histidine 1453.
Molecular consequence: frameshift variant.
Genome position (GRCh38, 1-based): chr12:49,046,662-49,046,669, GTATGTGT deleted on the plus strand (ACACATAC on the coding strand, the reverse complement: KMT2D is on the minus strand); deleting any 8 consecutive bases within chr12:49,046,662-49,046,670 gives the same sequence; the c. name uses the placement nearest the transcript's 3' end. VCF-style (leftmost placement, unchanged base first): chr12-49046661-AGTATGTGT-A. GRCh37 (hg19) VCF-style: chr12-49440444-AGTATGTGT-A.
Other names: c.4357_4364delCACACATA, p.His1453Leufs (NM_003482.3); short protein forms H1453fs.
Identifiers: ClinVar variation 4526635 (VCV004526635.1).